The following is an entry in ClinVar:

NM_001114753.3(ENG):c.1246G>T (p.Val416Leu)

Genes: ENG (endoglin; minus strand), LOC102723566 (uncharacterized LOC102723566; plus strand). Cytogenetic location: 9q34.11.
Variant type: single nucleotide variant.
Coding change: c.1246G>T on transcript NM_001114753.3 (MANE Select); coding-DNA position 1246, G replaced by T.
Protein change: p.Val416Leu; replaces valine 416 with leucine.
Molecular consequence: missense variant.
Genome position (GRCh38, 1-based): chr9:127,819,926, C>A on the plus strand (G>T on the coding strand, the complement: ENG is on the minus strand). VCF-style: chr9-127819926-C-A. GRCh37 (hg19) VCF-style: chr9-130582205-C-A.
Other names: c.1246G>T, p.Val416Leu (NM_000118.4); c.700G>T, p.Val234Leu (NM_001278138.2); short protein forms V234L, V416L.
Identifiers: ClinVar variation 5035973 (VCV005035973.1).

ClinVar aggregate classification (germline): Uncertain significance (1 of 4 stars; one submission).

Conditions:
Cardiovascular phenotype. Identifiers: MedGen CN230736.

gnomAD v4.1: 7 of 1,614,268 alleles (0.00043%); highest among the groups gnomAD compares: Non-Finnish European, 0.00059%; no homozygotes.

Submission:

Ambry Genetics
Classification: Uncertain significance for Cardiovascular phenotype. Last evaluated: 2026-08-11. Review status: criteria provided, single submitter. Criteria: Ambry Variant Classification Scheme 2023. Collection method: clinical testing. Allele origin: germline.
Comment: The p.V416L variant (also known as c.1246G>T), located in coding exon 9 of the ENG gene, results from a G to T substitution at nucleotide position 1246. The valine at codon 416 is replaced by leucine, an amino acid with highly similar properties. This amino acid position is conserved. In addition, this alteration is predicted to be tolerated by in silico analysis. Based on the available evidence, the clinical significance of this variant remains unclear.